The following is an entry in ClinVar:

NM_020774.4(MIB1):c.1593_1596del (p.Gln531fs)

Gene: MIB1 (MIB E3 ubiquitin protein ligase 1; plus strand). Cytogenetic location: 18q11.2.
Variant type: Microsatellite.
Coding change: c.1593_1596del on transcript NM_020774.4 (MANE Select); coding-DNA positions 1593 to 1596, 4 bases deleted (GACA; older notation c.1593_1596delGACA).
Protein change: p.Gln531fs; shifts the reading frame from glutamine 531.
Molecular consequence: frameshift variant.
Genome position (GRCh38, 1-based): chr18:21,815,729-21,815,732, GACA deleted; deleting any 4 consecutive bases within chr18:21,815,725-21,815,732 gives the same sequence; the c. name uses the placement nearest the transcript's 3' end. VCF-style (leftmost placement, unchanged base first): chr18-21815724-CGACA-C. GRCh37 (hg19) VCF-style: chr18-19395685-CGACA-C.
Other names: short protein forms Q531fs.
Identifiers: ClinVar variation 1303144 (VCV001303144.2), dbSNP rs2146474858, ClinGen allele CA2580613278.

ClinVar aggregate classification (germline): Uncertain significance (1 of 4 stars; one submission).

Submission:

GeneDx
Classification: Uncertain significance. Last evaluated: 2019-06-11. Review status: criteria provided, single submitter. Criteria: GeneDx Variant Classification Process June 2021. Collection method: clinical testing. Allele origin: germline. Affected: yes.
Comment: Has not been previously published as pathogenic or benign to our knowledge; Not observed in large population cohorts (Lek et al., 2016); Frameshift variant predicted to result in protein truncation or nonsense mediated decay in a gene for which loss-of-function is not a well-established mechanism of disease